The following is an entry in ClinVar:

ClinVar aggregate classification (germline): Uncertain significance. Review status: criteria provided, multiple submitters, no conflicts (2 of 4 stars). 3 submissions from 3 submitters: Uncertain significance (3). Last evaluated 2025-05-18.

Conditions:
Hereditary cancer-predisposing syndrome. Also called: Neoplastic Syndromes, Hereditary; Hereditary Cancer Syndrome; Hereditary neoplastic syndrome; Tumor predisposition. Identifiers: Orphanet 140162, MedGen C0027672, MeSH D009386, MONDO:0015356.
Tuberous sclerosis 2 (TSC2). Identifiers: Orphanet 805, MedGen C1860707, MONDO:0013199, OMIM 613254.

Submissions (3):

Ambry Genetics
Classification: Uncertain significance for Hereditary cancer-predisposing syndrome. Last evaluated: 2025-05-18. Review status: criteria provided, single submitter. Criteria: Ambry Variant Classification Scheme 2023. Collection method: clinical testing. Allele origin: germline.
Comment: The p.E1528Q variant (also known as c.4582G>C), located in coding exon 35 of the TSC2 gene, results from a G to C substitution at nucleotide position 4582. The glutamic acid at codon 1528 is replaced by glutamine, an amino acid with highly similar properties. This amino acid position is well conserved in available vertebrate species. In addition, this alteration is predicted to be deleterious by in silico analysis. Since supporting evidence is limited at this time, the clinical significance of this alteration remains unclear.

Labcorp Genetics (formerly Invitae), Labcorp
Classification: Uncertain significance for Tuberous sclerosis 2. Last evaluated: 2025-02-27. Review status: criteria provided, single submitter. Criteria: Invitae Variant Classification Sherloc (09022015). Collection method: clinical testing. Allele origin: germline.
Comment: This sequence change replaces glutamic acid, which is acidic and polar, with glutamine, which is neutral and polar, at codon 1528 of the TSC2 protein (p.Glu1528Gln). This variant is not present in population databases (gnomAD no frequency). This variant has not been reported in the literature in individuals affected with TSC2-related conditions. ClinVar contains an entry for this variant (Variation ID: 848503). Invitae Evidence Modeling of protein sequence and biophysical properties (such as structural, functional, and spatial information, amino acid conservation, physicochemical variation, residue mobility, and thermodynamic stability) indicates that this missense variant is not expected to disrupt TSC2 protein function with a negative predictive value of 95%. RNA analysis performed to evaluate the impact of this missense change on mRNA splicing indicates it does not significantly alter splicing (internal data). In summary, the available evidence is currently insufficient to determine the role of this variant in disease. Therefore, it has been classified as a Variant of Uncertain Significance.

GeneDx
Classification: Uncertain significance. Last evaluated: 2022-09-21. Review status: criteria provided, single submitter. Criteria: GeneDx Variant Classification Process June 2021. Collection method: clinical testing. Allele origin: germline. Affected: yes.
Comment: Not observed at significant frequency in large population cohorts (gnomAD); In silico analysis supports that this missense variant does not alter protein structure/function; Has not been previously published as pathogenic or benign to our knowledge; In silico analysis suggests this variant may impact gene splicing. In the absence of RNA/functional studies, the actual effect of this sequence change is unknown.

Literature cited by the submitters: PubMed 30086788 (cited by Ambry Genetics).

NM_000548.5(TSC2):c.4582G>C (p.Glu1528Gln)

Gene: TSC2 (TSC complex subunit 2; plus strand). Cytogenetic location: 16p13.3.
Variant type: single nucleotide variant.
Coding change: c.4582G>C on transcript NM_000548.5 (MANE Select); coding-DNA position 4582, G replaced by C.
Protein change: p.Glu1528Gln; replaces glutamic acid 1528 with glutamine.
Molecular consequence: missense variant.
Genome position (GRCh38, 1-based): chr16:2,085,242, G>C. VCF-style: chr16-2085242-G-C. GRCh37 (hg19) VCF-style: chr16-2135243-G-C.
Other names: c.4381G>C, p.Glu1461Gln (NM_001077183.3); c.4513G>C, p.Glu1505Gln (NM_001114382.3); c.4273G>C, p.Glu1425Gln (NM_001318827.2); c.4237G>C, p.Glu1413Gln (NM_001318829.2); c.3850G>C, p.Glu1284Gln (NM_001318831.2); c.4414G>C, p.Glu1472Gln (NM_001318832.2); c.4384G>C, p.Glu1462Gln (NM_001363528.2); c.4450G>C, p.Glu1484Gln (NM_001370404.1); and 1 more; short protein forms E1461Q, E1472Q, E1528Q, E1425Q, E1485Q, E1505Q, E1484Q, E1284Q.
Identifiers: ClinVar variation 848503 (VCV000848503.13), dbSNP rs2090622255, ClinGen allele CA394304419.